The following is an entry in ClinVar:

ClinVar aggregate classification (germline): Likely pathogenic. Review status: criteria provided, multiple submitters, no conflicts (2 of 4 stars). 2 submissions from 2 submitters: Likely pathogenic (2). Last evaluated 2023-08-30.

Conditions:
Intellectual developmental disorder, X-linked, syndromic, Billuart type. Also called: X-linked intellectual disability-cerebellar hypoplasia syndrome; MENTAL RETARDATION, X-LINKED 60. Identifiers: Orphanet 137831, MedGen C1845366, MONDO:0010337, OMIM 300486.

Submissions (3):

GeneDx
Classification: Likely pathogenic. Last evaluated: 2023-08-30. Review status: criteria provided, single submitter. Criteria: GeneDx Variant Classification Process June 2021. Collection method: clinical testing. Allele origin: germline. Affected: yes.
Comment: Canonical splice site variant predicted to result in an in-frame loss of the adjacent exon in a gene for which loss of function is a known mechanism of disease; Not observed at significant frequency in large population cohorts (gnomAD); This variant is associated with the following publications: (PMID: 12807966, 28252636)

Labcorp Genetics (formerly Invitae), Labcorp
Classification: Likely pathogenic. Last evaluated: 2021-07-26. Review status: criteria provided, single submitter. Criteria: Invitae Variant Classification Sherloc (09022015). Collection method: clinical testing. Allele origin: germline.
Comment: ClinVar contains an entry for this variant (Variation ID: 419263). Algorithms developed to predict the effect of sequence changes on RNA splicing suggest that this variant may disrupt the consensus splice site. In summary, the currently available evidence indicates that the variant is pathogenic, but additional data are needed to prove that conclusively. Therefore, this variant has been classified as Likely Pathogenic. This variant has not been reported in the literature in individuals affected with OPHN1-related conditions. This sequence change affects an acceptor splice site in intron 2 of the OPHN1 gene. It is expected to disrupt RNA splicing. Variants that disrupt the donor or acceptor splice site typically lead to a loss of protein function (PMID: 16199547), and loss-of-function variants in OPHN1 are known to be pathogenic (PMID: 12807966). This variant is not present in population databases (ExAC no frequency).

Dr. Peter K. Rogan Lab, Western University
No classification provided (evidence only). Condition: Thyroid cancer, nonmedullary, 1. Review status: no classification provided. Collection method: in vitro. Allele origin: not applicable. Functional consequence: retained intron. Not counted in ClinVar's aggregate classification.

Literature cited by the submitters: PubMed 16199547 (cited by Labcorp Genetics (formerly Invitae), Labcorp); PubMed 12807966 (cited by Labcorp Genetics (formerly Invitae), Labcorp).

NM_002547.3(OPHN1):c.155-2A>C

Gene: OPHN1 (oligophrenin 1; minus strand). Cytogenetic location: Xq12.
Variant type: single nucleotide variant.
Coding change: c.155-2A>C on transcript NM_002547.3 (MANE Select); the canonical splice acceptor site of the intron before coding-DNA position 155, A replaced by C.
Molecular consequence: splice acceptor variant.
Genome position (GRCh38, 1-based): chrX:68,299,098, T>G on the plus strand (A>C on the coding strand, the complement: OPHN1 is on the minus strand). VCF-style: chrX-68299098-T-G. GRCh37 (hg19) VCF-style: chrX-67518940-T-G.
Identifiers: ClinVar variation 419263 (VCV000419263.14), dbSNP rs1064793755, ClinGen allele CA16621470.